The following is an entry in ClinVar:

ClinVar aggregate classification (germline): Uncertain significance. Review status: criteria provided, multiple submitters, no conflicts (2 of 4 stars). 2 submissions from 2 submitters: Uncertain significance (2). Last evaluated 2023-10-05.

Conditions:
Familial thoracic aortic aneurysm and aortic dissection (TAAD). Also called: Thoracic aortic aneurysms and dissections. Identifiers: Orphanet 91387, MedGen C4707243, MONDO:0019625.
Aortic aneurysm, familial thoracic 7 (AAT7). Also called: AORTIC DISSECTION, FAMILIAL, WITH OR WITHOUT AORTIC ANEURYSM. Identifiers: MedGen C3151077, MONDO:0013418, OMIM 613780.

Allele frequency attached by ClinVar (database versions not stated): gnomAD exomes below 0.00001; gnomAD 0.00001.
gnomAD v4.1: 4 of 1,611,914 alleles (0.00025%); highest among the groups gnomAD compares: East Asian, 0.0022%; no homozygotes.

Submissions (2):

Labcorp Genetics (formerly Invitae), Labcorp
Classification: Uncertain significance for Aortic aneurysm, familial thoracic 7. Last evaluated: 2023-10-05. Review status: criteria provided, single submitter. Criteria: Invitae Variant Classification Sherloc (09022015). Collection method: clinical testing. Allele origin: germline.
Comment: This sequence change replaces proline, which is neutral and non-polar, with threonine, which is neutral and polar, at codon 188 of the MYLK protein (p.Pro188Thr). This variant is present in population databases (no rsID available, gnomAD 0.06%). This variant has not been reported in the literature in individuals affected with MYLK-related conditions. ClinVar contains an entry for this variant (Variation ID: 2567247). Advanced modeling of protein sequence and biophysical properties (such as structural, functional, and spatial information, amino acid conservation, physicochemical variation, residue mobility, and thermodynamic stability) performed at Invitae indicates that this missense variant is not expected to disrupt MYLK protein function. In summary, the available evidence is currently insufficient to determine the role of this variant in disease. Therefore, it has been classified as a Variant of Uncertain Significance.

Ambry Genetics
Classification: Uncertain significance for Familial thoracic aortic aneurysm and aortic dissection. Last evaluated: 2023-04-14. Review status: criteria provided, single submitter. Criteria: Ambry Variant Classification Scheme 2023. Collection method: clinical testing. Allele origin: germline.
Comment: The p.P188T variant (also known as c.562C>A), located in coding exon 4 of the MYLK gene, results from a C to A substitution at nucleotide position 562. The proline at codon 188 is replaced by threonine, an amino acid with highly similar properties. This amino acid position is conserved. In addition, this alteration is predicted to be deleterious by in silico analysis. Since supporting evidence is limited at this time, the clinical significance of this alteration remains unclear.

NM_053025.4(MYLK):c.562C>A (p.Pro188Thr)

Gene: MYLK (myosin light chain kinase; minus strand). Cytogenetic location: 3q21.1.
Variant type: single nucleotide variant.
Coding change: c.562C>A on transcript NM_053025.4 (MANE Select); coding-DNA position 562, C replaced by A.
Protein change: p.Pro188Thr; replaces proline 188 with threonine.
Molecular consequence: missense variant.
Genome position (GRCh38, 1-based): chr3:123,738,923, G>T on the plus strand (C>A on the coding strand, the complement: MYLK is on the minus strand). VCF-style: chr3-123738923-G-T. GRCh37 (hg19) VCF-style: chr3-123457770-G-T.
Other names: c.34C>A, p.Pro12Thr (NM_001321309.2); c.562C>A, p.Pro188Thr (NM_053026.4, NM_053027.4, NM_053028.4); short protein forms P12T, P188T.
Identifiers: ClinVar variation 2567247 (VCV002567247.5), dbSNP rs1227541211, ClinGen allele CA354241641.